The following is an entry in ClinVar:

ClinVar aggregate classification (germline): Uncertain significance. Review status: criteria provided, multiple submitters, no conflicts (2 of 4 stars). 3 submissions from 3 submitters: Uncertain significance (3). Last evaluated 2024-10-16.

Conditions:
Colorectal cancer. Also called: Malignant Colorectal Neoplasm; Colorectal cancer, somatic. Identifiers: MedGen C0346629, MONDO:0005575, OMIM 114500.
Hereditary cancer-predisposing syndrome. Also called: Neoplastic Syndromes, Hereditary; Tumor predisposition; Hereditary Cancer Syndrome; Hereditary neoplastic syndrome. Identifiers: Orphanet 140162, MedGen C0027672, MeSH D009386, MONDO:0015356.
Oligodontia-cancer predisposition syndrome. Also called: TOOTH AGENESIS-COLORECTAL CANCER SYNDROME. Identifiers: Orphanet 300576, MedGen C1837750, MONDO:0012075, OMIM 608615. Disease mechanism: loss of function.

gnomAD v4.1: 1 of 1,585,168 alleles (0.000063%); highest among the groups gnomAD compares: Non-Finnish European, 0.000086%; no homozygotes.

Submissions (3):

Labcorp Genetics (formerly Invitae), Labcorp
Classification: Uncertain significance for Oligodontia-cancer predisposition syndrome. Last evaluated: 2024-10-16. Review status: criteria provided, single submitter. Criteria: Invitae Variant Classification Sherloc (09022015). Collection method: clinical testing. Allele origin: germline.
Comment: This sequence change replaces serine, which is neutral and polar, with phenylalanine, which is neutral and non-polar, at codon 424 of the AXIN2 protein (p.Ser424Phe). This variant is not present in population databases (gnomAD no frequency). This variant has not been reported in the literature in individuals affected with AXIN2-related conditions. ClinVar contains an entry for this variant (Variation ID: 1765559). Invitae Evidence Modeling of protein sequence and biophysical properties (such as structural, functional, and spatial information, amino acid conservation, physicochemical variation, residue mobility, and thermodynamic stability) indicates that this missense variant is not expected to disrupt AXIN2 protein function with a negative predictive value of 80%. In summary, the available evidence is currently insufficient to determine the role of this variant in disease. Therefore, it has been classified as a Variant of Uncertain Significance.

Ambry Genetics
Classification: Uncertain significance for Hereditary cancer-predisposing syndrome. Last evaluated: 2024-08-14. Review status: criteria provided, single submitter. Criteria: Ambry Variant Classification Scheme 2023. Collection method: clinical testing. Allele origin: germline.
Comment: The p.S424F variant (also known as c.1271C>T), located in coding exon 5 of the AXIN2 gene, results from a C to T substitution at nucleotide position 1271. The serine at codon 424 is replaced by phenylalanine, an amino acid with highly dissimilar properties. This amino acid position is not well conserved in available vertebrate species. In addition, this alteration is predicted to be tolerated by in silico analysis. Since supporting evidence is limited at this time, the clinical significance of this alteration remains unclear.

Baylor Genetics
Classification: Uncertain significance for Colorectal cancer. Last evaluated: 2023-12-26. Review status: criteria provided, single submitter. Criteria: ACMG Guidelines, 2015. Collection method: clinical testing. Allele origin: unknown.

NM_004655.4(AXIN2):c.1271C>T (p.Ser424Phe)

Gene: AXIN2 (axin 2; minus strand). Cytogenetic location: 17q24.1.
Variant type: single nucleotide variant.
Coding change: c.1271C>T on transcript NM_004655.4 (MANE Select); coding-DNA position 1271, C replaced by T.
Protein change: p.Ser424Phe; replaces serine 424 with phenylalanine.
Molecular consequence: missense variant.
Genome position (GRCh38, 1-based): chr17:65,537,765, G>A on the plus strand (C>T on the coding strand, the complement: AXIN2 is on the minus strand). VCF-style: chr17-65537765-G-A. GRCh37 (hg19) VCF-style: chr17-63533883-G-A.
Other names: c.1271C>T, p.Ser424Phe (NM_001363813.1); short protein forms S424F.
Identifiers: ClinVar variation 1765559 (VCV001765559.9), dbSNP rs780894296, ClinGen allele CA8718692.